The following is an entry in ClinVar:

ClinVar aggregate classification (germline): Uncertain significance (1 of 4 stars; one submission).

Conditions:
Congenital contractural arachnodactyly (CCA). Also called: BEALS SYNDROME; Beals-Hecht syndrome; Arthrogryposis, distal, type 9. Identifiers: Orphanet 115, MedGen C0220668, MONDO:0007363, OMIM 121050.

Allele frequency attached by ClinVar (database versions not stated): gnomAD exomes 0.00001.
gnomAD v4.1: 4 of 1,614,088 alleles (0.00025%); highest among the groups gnomAD compares: Non-Finnish European, 0.00034%; no homozygotes.

Submission:

Labcorp Genetics (formerly Invitae), Labcorp
Classification: Uncertain significance for Congenital contractural arachnodactyly. Last evaluated: 2023-08-22. Review status: criteria provided, single submitter. Criteria: Invitae Variant Classification Sherloc (09022015). Collection method: clinical testing. Allele origin: germline.
Comment: In summary, the available evidence is currently insufficient to determine the role of this variant in disease. Therefore, it has been classified as a Variant of Uncertain Significance. Advanced modeling of protein sequence and biophysical properties (such as structural, functional, and spatial information, amino acid conservation, physicochemical variation, residue mobility, and thermodynamic stability) performed at Invitae indicates that this missense variant is not expected to disrupt FBN2 protein function. ClinVar contains an entry for this variant (Variation ID: 1353475). This missense change has been observed in individual(s) with clinical features of FBN2-related conditions (Invitae). This variant is not present in population databases (gnomAD no frequency). This sequence change replaces serine, which is neutral and polar, with glycine, which is neutral and non-polar, at codon 2843 of the FBN2 protein (p.Ser2843Gly).

NM_001999.4(FBN2):c.8527A>G (p.Ser2843Gly)

Gene: FBN2 (fibrillin 2; minus strand). Cytogenetic location: 5q23.3.
Variant type: single nucleotide variant.
Coding change: c.8527A>G on transcript NM_001999.4 (MANE Select); coding-DNA position 8527, A replaced by G.
Protein change: p.Ser2843Gly; replaces serine 2843 with glycine.
Molecular consequence: missense variant.
Genome position (GRCh38, 1-based): chr5:128,259,667, T>C on the plus strand (A>G on the coding strand, the complement: FBN2 is on the minus strand). VCF-style: chr5-128259667-T-C. GRCh37 (hg19) VCF-style: chr5-127595359-T-C.
Other names: short protein forms S2843G.
Identifiers: ClinVar variation 1353475 (VCV001353475.8), dbSNP rs1764914190, ClinGen allele CA360745619.